The following is an entry in ClinVar:

ClinVar aggregate classification (germline): Pathogenic. Review status: criteria provided, single submitter (1 of 4 stars). 3 submissions from 3 submitters: Pathogenic (1). 2 of the submissions do not count toward it. Last evaluated 2024-06-03.

Conditions:
Primary hyperoxaluria, type I (HP1). Also called: GLYCOLIC ACIDURIA; HEPATIC AGT DEFICIENCY; OXALOSIS I; Primary hyperoxaluria type 1. Identifiers: Orphanet 416, Orphanet 93598, MedGen C0268164, MONDO:0009823, OMIM 259900. Disease mechanism: loss of function.

gnomAD v4.1: 5 of 1,528,980 alleles (0.00033%); highest among the groups gnomAD compares: Non-Finnish European, 0.00045%; no homozygotes.

Submissions (3):

Labcorp Genetics (formerly Invitae), Labcorp
Classification: Pathogenic. Last evaluated: 2024-06-03. Review status: criteria provided, single submitter. Criteria: Invitae Variant Classification Sherloc (09022015). Collection method: clinical testing. Allele origin: germline.
Comment: This sequence change creates a premature translational stop signal (p.Tyr66*) in the AGXT gene. It is expected to result in an absent or disrupted protein product. Loss-of-function variants in AGXT are known to be pathogenic (PMID: 19479957). This variant is present in population databases (rs121908521, gnomAD 0.0009%). This premature translational stop signal has been observed in individual(s) with primary hyperoxaluria type I (PMID: 1879825). ClinVar contains an entry for this variant (Variation ID: 5642). For these reasons, this variant has been classified as Pathogenic.

Clinical Biochemistry Laboratory, Health Services Laboratory
Classification: Pathogenic for Primary hyperoxaluria, type I. Last evaluated: 2014-11-27. Review status: no assertion criteria provided. Collection method: research. Allele origin: germline. Affected: yes. Not counted in ClinVar's aggregate classification.

OMIM
Classification: Pathogenic for HYPEROXALURIA, PRIMARY, TYPE I. Last evaluated: 1991-12-01. Review status: no assertion criteria provided. Collection method: literature only. Allele origin: germline. Not counted in ClinVar's aggregate classification.

Literature cited by the submitters: PubMed 19479957 (cited by Labcorp Genetics (formerly Invitae), Labcorp); PubMed 1879825 (cited by Labcorp Genetics (formerly Invitae), Labcorp and Clinical Biochemistry Laboratory, Health Services Laboratory); PubMed 1961759 (cited by OMIM).

NM_000030.3(AGXT):c.198C>G (p.Tyr66Ter)

Gene: AGXT (alanine--glyoxylate aminotransferase; plus strand). Cytogenetic location: 2q37.3.
Variant type: single nucleotide variant.
Coding change: c.198C>G on transcript NM_000030.3 (MANE Select); coding-DNA position 198, C replaced by G.
Protein change: p.Tyr66Ter; replaces tyrosine 66 with a stop codon.
Molecular consequence: nonsense.
Genome position (GRCh38, 1-based): chr2:240,869,202, C>G. VCF-style: chr2-240869202-C-G. GRCh37 (hg19) VCF-style: chr2-241808619-C-G.
Other names: short protein forms Y66*.
Identifiers: ClinVar variation 5642 (VCV000005642.5), dbSNP rs121908521, ClinGen allele CA253542.
Genomic context (GRCh38, chr2:240,869,202, plus strand): 5'-GGTCTCACCCTATACCACCCGCATGCAGATCATGGACGAGATCAAGGAAGGCATCCAGTA[C>G]GTGTTCCAGACCAGGAACCCACTCACACTGGTCATCTCTGGCTCGGGACACTGTGCCCTG-3'